The following is an entry in ClinVar:

NM_001376.5(DYNC1H1):c.10413+4A>G

Gene: DYNC1H1 (dynein cytoplasmic 1 heavy chain 1; plus strand). Cytogenetic location: 14q32.31.
Variant type: single nucleotide variant.
Coding change: c.10413+4A>G on transcript NM_001376.5 (MANE Select); 4 bases into the intron after coding-DNA position 10413, A replaced by G.
Molecular consequence: intron variant.
Genome position (GRCh38, 1-based): chr14:102,033,488, A>G. VCF-style: chr14-102033488-A-G. GRCh37 (hg19) VCF-style: chr14-102499825-A-G.
Identifiers: ClinVar variation 3685634 (VCV003685634.2).
Genomic context (GRCh38, chr14:102,033,488, plus strand): 5'-GTCCTGATCTCAGAGGCCCAGGCCATCAAGGCAGACCTGGCAGCTGTCGAGGCAAAAGTA[A>G]GATTATCATCATTGATCCTCAGCCTTTCCTGCTGTGGAAGCAGAGATTAACACACTTCAA-3'

ClinVar aggregate classification (germline): Uncertain significance (1 of 4 stars; one submission).

Conditions:
Charcot-Marie-Tooth disease axonal type 2O. Also called: CHARCOT-MARIE-TOOTH NEUROPATHY, AXONAL, TYPE 2O; CHARCOT-MARIE-TOOTH DISEASE, AXONAL, AUTOSOMAL DOMINANT, TYPE 2O; Charcot-Marie-Tooth Neuropathy Type 2O; Charcot-Marie-Tooth disease, axonal, type 20. Identifiers: Orphanet 284232, MedGen C3280220, MONDO:0013644, OMIM 614228.

Submission:

Labcorp Genetics (formerly Invitae), Labcorp
Classification: Uncertain significance for Charcot-Marie-Tooth disease axonal type 2O. Last evaluated: 2024-05-28. Review status: criteria provided, single submitter. Criteria: Invitae Variant Classification Sherloc (09022015). Collection method: clinical testing. Allele origin: germline.
Comment: This sequence change falls in intron 54 of the DYNC1H1 gene. It does not directly change the encoded amino acid sequence of the DYNC1H1 protein. It affects a nucleotide within the consensus splice site. This variant is not present in population databases (gnomAD no frequency). This variant has not been reported in the literature in individuals affected with DYNC1H1-related conditions. Variants that disrupt the consensus splice site are a relatively common cause of aberrant splicing (PMID: 17576681, 9536098). Algorithms developed to predict the effect of sequence changes on RNA splicing suggest that this variant may disrupt the consensus splice site. In summary, the available evidence is currently insufficient to determine the role of this variant in disease. Therefore, it has been classified as a Variant of Uncertain Significance.

Literature cited by the submitters: PubMed 17576681; PubMed 9536098.